The following is an entry in ClinVar:

NM_001110219.3(GJB6):c.701A>G (p.His234Arg)

Gene: GJB6 (gap junction protein beta 6; minus strand). Cytogenetic location: 13q12.11.
Variant type: single nucleotide variant.
Coding change: c.701A>G on transcript NM_001110219.3 (MANE Select); coding-DNA position 701, A replaced by G.
Protein change: p.His234Arg; replaces histidine 234 with arginine.
Molecular consequence: missense variant.
Genome position (GRCh38, 1-based): chr13:20,222,780, T>C on the plus strand (A>G on the coding strand, the complement: GJB6 is on the minus strand). VCF-style: chr13-20222780-T-C. GRCh37 (hg19) VCF-style: chr13-20796919-T-C.
Other names: c.701A>G, p.His234Arg (NM_001110220.3, NM_001110221.3, NM_001370090.1 and 3 more transcripts); short protein forms H234R.
Identifiers: ClinVar variation 1303965 (VCV001303965.2), dbSNP rs758984964, ClinGen allele CA6904390.
Genomic context (GRCh38, chr13:20,222,780, plus strand): 5'-TTTTGACCACTATCTGAAATCAGCTCATTCATTTCATTCTGCTTACTCTCCTTTAGGGCA[T>C]GATTGGGGTGATTTTTTTGCGTCTGTGCTCTCTTTGATCTCCTAAAACACACTTTCAGCA-3'
Protein context (NP_001103689.1, residues 224-244): RAQTQKNHPN[His234Arg]ALKESKQNEM

ClinVar aggregate classification (germline): Uncertain significance (1 of 4 stars; one submission).

Allele frequency attached by ClinVar (database versions not stated): gnomAD exomes below 0.00001; TOPMed below 0.00001; ExAC 0.00001.
gnomAD v4.1: 2 of 1,613,990 alleles (0.00012%); highest among the groups gnomAD compares: Non-Finnish European, 0.00017%; no homozygotes.

Submission:

GeneDx
Classification: Uncertain significance. Last evaluated: 2020-08-31. Review status: criteria provided, single submitter. Criteria: GeneDx Variant Classification Process June 2021. Collection method: clinical testing. Allele origin: germline. Affected: yes.
Comment: In silico analysis supports that this missense variant does not alter protein structure/function; Has not been previously published as pathogenic or benign to our knowledge